The following is an entry in ClinVar:

NM_020708.5(SLC12A5):c.1837T>G (p.Cys613Gly)

Gene: SLC12A5 (solute carrier family 12 member 5; plus strand). Cytogenetic location: 20q13.12.
Variant type: single nucleotide variant.
Coding change: c.1837T>G on transcript NM_020708.5 (MANE Select); coding-DNA position 1837, T replaced by G.
Protein change: p.Cys613Gly; replaces cysteine 613 with glycine.
Molecular consequence: missense variant.
Genome position (GRCh38, 1-based): chr20:46,047,503, T>G. VCF-style: chr20-46047503-T-G. GRCh37 (hg19) VCF-style: chr20-44676142-T-G.
Other names: c.1906T>G, p.Cys636Gly (NM_001134771.2); short protein forms C613G, C636G.
Identifiers: ClinVar variation 3257299 (VCV003257299.17).

ClinVar aggregate classification (germline): Uncertain significance (1 of 4 stars; one submission).

gnomAD v4.1: 8 of 1,614,138 alleles (0.0005%); highest among the groups gnomAD compares: Non-Finnish European, 0.00068%; no homozygotes.

Submission:

CeGaT Center for Human Genetics Tuebingen
Classification: Uncertain significance. Last evaluated: 2024-07-01. Review status: criteria provided, single submitter. Criteria: CeGaT Center For Human Genetics Tuebingen Variant Classification Criteria Version 2. Collection method: clinical testing. Allele origin: germline. Affected: yes. Observed: 1 variant allele.
Comment: SLC12A5: PM2, PP3